The following is an entry in ClinVar:

ClinVar aggregate classification (germline): Uncertain significance. Review status: criteria provided, multiple submitters, no conflicts (2 of 4 stars). 2 submissions from 2 submitters: Uncertain significance (2). Last evaluated 2025-09-17.

Conditions:
Tumor predisposition syndrome 3 (TPDS3). Also called: Glioma susceptibility 9; LONG TELOMERE SYNDROME, POT1-RELATED; POT1 Tumor Predisposition; Melanoma, cutaneous malignant, susceptibility to, 10. Identifiers: Orphanet 618, MedGen C4014476, MONDO:0014368, OMIM 615848.
Hereditary cancer-predisposing syndrome. Also called: Neoplastic Syndromes, Hereditary; Tumor predisposition; Hereditary Cancer Syndrome; Hereditary neoplastic syndrome. Identifiers: Orphanet 140162, MedGen C0027672, MeSH D009386, MONDO:0015356.

Allele frequency attached by ClinVar (database versions not stated): TOPMed 0.00001.
gnomAD v4.1: 1 of 1,613,460 alleles (0.000062%); no homozygotes.

Submissions (2):

Ambry Genetics
Classification: Uncertain significance for Hereditary cancer-predisposing syndrome. Last evaluated: 2025-09-17. Review status: criteria provided, single submitter. Criteria: Ambry Variant Classification Scheme 2023. Collection method: clinical testing. Allele origin: germline.
Comment: The p.R276S variant (also known as c.828G>T), located in coding exon 6 of the POT1 gene, results from a G to T substitution at nucleotide position 828. The arginine at codon 276 is replaced by serine, an amino acid with dissimilar properties. This amino acid position is not well conserved in available vertebrate species. In addition, this alteration is predicted to be tolerated by in silico analysis. Since supporting evidence is limited at this time, the clinical significance of this alteration remains unclear.

Labcorp Genetics (formerly Invitae), Labcorp
Classification: Uncertain significance for Tumor predisposition syndrome 3. Last evaluated: 2023-07-26. Review status: criteria provided, single submitter. Criteria: Invitae Variant Classification Sherloc (09022015). Collection method: clinical testing. Allele origin: germline.
Comment: Advanced modeling of protein sequence and biophysical properties (such as structural, functional, and spatial information, amino acid conservation, physicochemical variation, residue mobility, and thermodynamic stability) performed at Invitae indicates that this missense variant is not expected to disrupt POT1 protein function. ClinVar contains an entry for this variant (Variation ID: 938944). This variant has not been reported in the literature in individuals affected with POT1-related conditions. This variant is present in population databases (rs76496261, gnomAD 0.0009%). This sequence change replaces arginine, which is basic and polar, with serine, which is neutral and polar, at codon 276 of the POT1 protein (p.Arg276Ser). RNA analysis performed to evaluate the impact of this missense change on mRNA splicing indicates it does not significantly alter splicing (Invitae). In summary, the available evidence is currently insufficient to determine the role of this variant in disease. Therefore, it has been classified as a Variant of Uncertain Significance.

NM_015450.3(POT1):c.828G>T (p.Arg276Ser)

Gene: POT1 (protection of telomeres 1; minus strand). Cytogenetic location: 7q31.33.
Variant type: single nucleotide variant.
Coding change: c.828G>T on transcript NM_015450.3 (MANE Select); coding-DNA position 828, G replaced by T.
Protein change: p.Arg276Ser; replaces arginine 276 with serine.
Molecular consequence: missense variant. On other transcripts: non-coding transcript variant (3).
Genome position (GRCh38, 1-based): chr7:124,853,013, C>A on the plus strand (G>T on the coding strand, the complement: POT1 is on the minus strand). VCF-style: chr7-124853013-C-A. GRCh37 (hg19) VCF-style: chr7-124493067-C-A.
Other names: c.435G>T, p.Arg145Ser (NM_001042594.2); short protein forms R276S, R145S.
Identifiers: ClinVar variation 938944 (VCV000938944.13), dbSNP rs76496261, ClinGen allele CA4465351.